The following is an entry in ClinVar:

ClinVar aggregate classification (germline): Conflicting classifications of pathogenicity. Review status: criteria provided, conflicting classifications (1 of 4 stars). 4 submissions from 4 submitters: Uncertain significance (2); Likely benign (1). 1 of the submissions does not count toward it. Last evaluated 2024-05-10.

Conditions:
Inborn genetic diseases. Identifiers: MedGen C0950123, MeSH D030342.
Rubinstein-Taybi syndrome due to EP300 haploinsufficiency. Also called: EP300-Related Rubinstein-Taybi Syndrome; RUBINSTEIN-TAYBI SYNDROME 2. Identifiers: Orphanet 353284, Orphanet 783, MedGen C3150941, MONDO:0013364, OMIM 613684.
EP300-related disorder. Also called: EP300-related condition; EP300-related disorders.

Allele frequency attached by ClinVar (database versions not stated): TOPMed below 0.00001.

Submissions (4):

Ambry Genetics
Classification: Uncertain significance for Inborn genetic diseases. Last evaluated: 2024-05-10. Review status: criteria provided, single submitter. Criteria: Ambry Variant Classification Scheme 2023. Collection method: clinical testing. Allele origin: germline.

Labcorp Genetics (formerly Invitae), Labcorp
Classification: Uncertain significance for Rubinstein-Taybi syndrome due to EP300 haploinsufficiency. Last evaluated: 2023-11-20. Review status: criteria provided, single submitter. Criteria: Invitae Variant Classification Sherloc (09022015). Collection method: clinical testing. Allele origin: germline.
Comment: This sequence change replaces methionine, which is neutral and non-polar, with valine, which is neutral and non-polar, at codon 702 of the EP300 protein (p.Met702Val). This variant is not present in population databases (gnomAD no frequency). This variant has not been reported in the literature in individuals affected with EP300-related conditions. Advanced modeling of protein sequence and biophysical properties (such as structural, functional, and spatial information, amino acid conservation, physicochemical variation, residue mobility, and thermodynamic stability) performed at Invitae indicates that this missense variant is not expected to disrupt EP300 protein function with a negative predictive value of 95%. Algorithms developed to predict the effect of sequence changes on RNA splicing suggest that this variant may create or strengthen a splice site. In summary, the available evidence is currently insufficient to determine the role of this variant in disease. Therefore, it has been classified as a Variant of Uncertain Significance.

Blueprint Genetics
Classification: Likely benign. Last evaluated: 2022-07-15. Review status: criteria provided, single submitter. Criteria: ACMG Guidelines, 2015. Collection method: clinical testing. Allele origin: germline.

PreventionGenetics, part of Exact Sciences
Classification: Uncertain significance for EP300-related condition. Last evaluated: 2023-12-01. Review status: no assertion criteria provided. Collection method: clinical testing. Allele origin: germline. Not counted in ClinVar's aggregate classification.
Comment: The EP300 c.2104A>G variant is predicted to result in the amino acid substitution p.Met702Val. To our knowledge, this variant has not been reported in the literature or in a large population database, indicating this variant is rare. At this time, the clinical significance of this variant is uncertain due to the absence of conclusive functional and genetic evidence.

NM_001429.4(EP300):c.2104A>G (p.Met702Val)

Gene: EP300 (EP300 lysine acetyltransferase; plus strand). Cytogenetic location: 22q13.2.
Variant type: single nucleotide variant.
Coding change: c.2104A>G on transcript NM_001429.4 (MANE Select); coding-DNA position 2104, A replaced by G.
Protein change: p.Met702Val; replaces methionine 702 with valine.
Molecular consequence: missense variant. On other transcripts: intron variant (1).
Genome position (GRCh38, 1-based): chr22:41,146,789, A>G. VCF-style: chr22-41146789-A-G. GRCh37 (hg19) VCF-style: chr22-41542793-A-G.
Other names: c.2104A>G (NM_001429.3); c.2054-1048A>G (NM_001362843.2); short protein forms M702V.
Identifiers: ClinVar variation 2914380 (VCV002914380.7), dbSNP rs1258333494, ClinGen allele CA411689249.
Genomic context (GRCh38, chr22:41,146,789, plus strand): 5'-TTTACTCTAGATGGCCCTCTACCTGACCCAAGTATGATCCGTGGCAGTGTGCCAAACCAG[A>G]TGATGCCTCGAATAACTCCACAATCTGGTAAATAGTGAAAAAAATTTTTTTATTTTAAAA-3'
Protein context (NP_001420.2, residues 692-712): SMIRGSVPNQ[Met702Val]MPRITPQSGL